The following is an entry in ClinVar:

ClinVar aggregate classification (germline): Uncertain significance (1 of 4 stars; one submission).

gnomAD v4.1: 1 of 1,583,696 alleles (0.000063%); highest among the groups gnomAD compares: Admixed American, 0.0018%; no homozygotes.

Submission:

Ambry Genetics
Classification: Uncertain significance. Last evaluated: 2025-02-15. Review status: criteria provided, single submitter. Criteria: Ambry Variant Classification Scheme 2023. Collection method: clinical testing. Allele origin: germline.
Comment: The p.P229L variant (also known as c.686C>T), located in coding exon 5 of the ATRIP gene, results from a C to T substitution at nucleotide position 686. The proline at codon 229 is replaced by leucine, an amino acid with similar properties. This amino acid position is conserved. In addition, this alteration is predicted to be tolerated by in silico analysis. Based on the available evidence, the clinical significance of this variant remains unclear.

NM_130384.3(ATRIP):c.686C>T (p.Pro229Leu)

Genes: ATRIP (ATR interacting protein; plus strand), ATRIP-TREX1 (ATRIP-TREX1 readthrough; plus strand). Cytogenetic location: 3p21.31.
Variant type: single nucleotide variant.
Coding change: c.686C>T on transcript NM_130384.3 (MANE Select); coding-DNA position 686, C replaced by T.
Protein change: p.Pro229Leu; replaces proline 229 with leucine.
Molecular consequence: missense variant. On other transcripts: non-coding transcript variant (1).
Genome position (GRCh38, 1-based): chr3:48,457,273, C>T. VCF-style: chr3-48457273-C-T. GRCh37 (hg19) VCF-style: chr3-48498673-C-T.
Other names: c.305C>T, p.Pro102Leu (NM_001271022.2); c.407C>T, p.Pro136Leu (NM_001271023.2); c.686C>T, p.Pro229Leu (NM_032166.4); short protein forms P136L, P102L, P229L.
Identifiers: ClinVar variation 3810791 (VCV003810791.1).